The following is an entry in ClinVar:

ClinVar aggregate classification (germline): Benign/Likely benign. Review status: criteria provided, multiple submitters, no conflicts (2 of 4 stars). 4 submissions from 4 submitters: Benign (2); Likely benign (2). Last evaluated 2025-12-19.

Conditions:
Fanconi anemia (FA). Also called: Fanconi's anemia. Identifiers: Orphanet 84, MedGen C0015625, MeSH D005199, MONDO:0019391.
Fanconi anemia complementation group I (FANCI). Also called: FANCI-Related Fanconi Anemia. Identifiers: Orphanet 84, MedGen C1836861, MONDO:0012186, OMIM 609053.

Allele frequency attached by ClinVar (database versions not stated): gnomAD 0.00005 and 0.00017; TOPMed 0.00007; ESP Exome Variant Server 0.00008; gnomAD exomes 0.00026 and 0.00051; ExAC 0.00057; 1000 Genomes Project 30x 0.00094; 1000 Genomes Project 0.00120.
gnomAD v4.1: 398 of 1,614,126 alleles (0.025%); highest among the groups gnomAD compares: South Asian, 0.41%; 8 homozygotes.

Submissions (4):

Labcorp Genetics (formerly Invitae), Labcorp
Classification: Benign for Fanconi anemia. Last evaluated: 2025-12-19. Review status: criteria provided, single submitter. Criteria: Invitae Variant Classification Sherloc (09022015). Collection method: clinical testing. Allele origin: germline.

Blueprint Genetics
Classification: Likely benign. Last evaluated: 2024-09-24. Review status: criteria provided, single submitter. Criteria: ACMG Guidelines, 2015. Collection method: clinical testing. Allele origin: germline.

Fulgent Genetics
Classification: Likely benign for Fanconi anemia complementation group I. Last evaluated: 2021-12-24. Review status: criteria provided, single submitter. Criteria: ACMG Guidelines, 2015. Collection method: clinical testing. Allele origin: unknown.

Illumina Laboratory Services, Illumina
Classification: Benign for Fanconi anemia complementation group I. Last evaluated: 2017-04-27. Review status: criteria provided, single submitter. Criteria: ICSL Variant Classification Criteria 13 December 2019. Collection method: clinical testing. Allele origin: germline.
Comment: This variant was observed as part of a predisposition screen in an ostensibly healthy population. A literature search was performed for the gene, cDNA change, and amino acid change (where applicable). No publications were found based on this search. Allele frequency data from public databases was too high to be consistent with this variant causing disease. Therefore, this variant is classified as benign.

NM_001113378.2(FANCI):c.1263C>T (p.Leu421=)

Gene: FANCI (FA complementation group I; plus strand). Cytogenetic location: 15q26.1.
Variant type: single nucleotide variant.
Coding change: c.1263C>T on transcript NM_001113378.2 (MANE Select); coding-DNA position 1263, C replaced by T.
Protein change: p.Leu421=; no amino-acid change (leucine 421 retained).
Molecular consequence: synonymous variant.
Genome position (GRCh38, 1-based): chr15:89,276,861, C>T. VCF-style: chr15-89276861-C-T. GRCh37 (hg19) VCF-style: chr15-89820092-C-T.
Other names: c.984C>T, p.Leu328= (NM_001376910.1); c.1263C>T, p.Leu421= (NM_001376911.1, NM_018193.3).
Identifiers: ClinVar variation 887902 (VCV000887902.14), dbSNP rs376956791, ClinGen allele CA7722956.